The following is an entry in ClinVar:

ClinVar aggregate classification (germline): Pathogenic/Likely pathogenic. Review status: criteria provided, multiple submitters, no conflicts (2 of 4 stars). 4 submissions from 4 submitters: Pathogenic (2); Likely pathogenic (1). 1 of the submissions does not count toward it. Last evaluated 2024-05-08.

Conditions:
Achromatopsia 3 (ACHM3). Also called: ACHROMATOPSIA WITH MYOPIA; PINGELAPESE BLINDNESS; TOTAL COLORBLINDNESS WITH MYOPIA; ROD MONOCHROMACY 1; ROD MONOCHROMATISM 1. Identifiers: Orphanet 49382, MedGen C1849792, MONDO:0009875, OMIM 262300.
Achromatopsia. Also called: Rod monochromatism. Identifiers: Orphanet 49382, MedGen C0152200, MONDO:0018852, HP:0011516.

Allele frequency attached by ClinVar (database versions not stated): gnomAD exomes below 0.00001.

Submissions (4):

Myriad Genetics, Inc.
Classification: Pathogenic for Achromatopsia 3. Last evaluated: 2024-05-08. Review status: criteria provided, single submitter. Criteria: Myriad Autosomal Dominant, Autosomal Recessive and X-Linked Classification Criteria (2023). Collection method: clinical testing. Allele origin: unknown.
Comment: NM_019098.4(CNGB3):c.105_114del10(Q36Kfs*44) is expected to be pathogenic in the context of achromatopsia, CNGB3-related. This variant is predicted to lead to an abnormal or absent protein product due to the creation of a premature termination codon in CNGB3, a gene where loss-of-function variants are known to be pathogenic. Please note: this variant was assessed in the context of healthy population screening.

Fulgent Genetics
Classification: Likely pathogenic for Achromatopsia 3. Last evaluated: 2024-03-05. Review status: criteria provided, single submitter. Criteria: ACMG Guidelines, 2015. Collection method: clinical testing. Allele origin: germline.

Labcorp Genetics (formerly Invitae), Labcorp
Classification: Pathogenic. Last evaluated: 2022-07-12. Review status: criteria provided, single submitter. Criteria: Invitae Variant Classification Sherloc (09022015). Collection method: clinical testing. Allele origin: germline.
Comment: This sequence change creates a premature translational stop signal (p.Gln36Lysfs*44) in the CNGB3 gene. It is expected to result in an absent or disrupted protein product. Loss-of-function variants in CNGB3 are known to be pathogenic (PMID: 28795510). This variant is not present in population databases (gnomAD no frequency). This variant has not been reported in the literature in individuals affected with CNGB3-related conditions. ClinVar contains an entry for this variant (Variation ID: 812290). For these reasons, this variant has been classified as Pathogenic.

Sharon lab, Hadassah-Hebrew University Medical Center
Classification: Pathogenic for achromatopsia. Last evaluated: 2019-06-23. Review status: no assertion criteria provided. Collection method: research. Allele origin: inherited. Affected: yes. Not counted in ClinVar's aggregate classification.

Literature cited by the submitters: PubMed 28795510 (cited by Labcorp Genetics (formerly Invitae), Labcorp).

NM_019098.5(CNGB3):c.105_114del (p.Gln36fs)

Gene: CNGB3 (cyclic nucleotide gated channel subunit beta 3; minus strand). Cytogenetic location: 8q21.3.
Variant type: Deletion.
Coding change: c.105_114del on transcript NM_019098.5 (MANE Select); coding-DNA positions 105 to 114, 10 bases deleted (TCAGTCTCAG; older notation c.105_114delTCAGTCTCAG).
Protein change: p.Gln36fs; shifts the reading frame from glutamine 36.
Molecular consequence: frameshift variant.
Genome position (GRCh38, 1-based): chr8:86,743,514-86,743,523, CTGAGACTGA deleted on the plus strand (TCAGTCTCAG on the coding strand, the reverse complement: CNGB3 is on the minus strand). VCF-style (leftmost placement, unchanged base first): chr8-86743513-GCTGAGACTGA-G. GRCh37 (hg19) VCF-style: chr8-87755741-GCTGAGACTGA-G.
Other names: c.105_114delTCAGTCTCAG (NM_019098.4); short protein forms Q36fs.
Identifiers: ClinVar variation 812290 (VCV000812290.9), dbSNP rs1586047969, ClinGen allele CA915945756.